The following is an entry in ClinVar:

NM_201253.3(CRB1):c.892T>C (p.Cys298Arg)

Gene: CRB1 (crumbs cell polarity complex component 1; plus strand). Cytogenetic location: 1q31.3.
Variant type: single nucleotide variant.
Coding change: c.892T>C on transcript NM_201253.3 (MANE Select); coding-DNA position 892, T replaced by C.
Protein change: p.Cys298Arg; replaces cysteine 298 with arginine.
Molecular consequence: missense variant. On other transcripts: non-coding transcript variant (2), intron variant (1).
Genome position (GRCh38, 1-based): chr1:197,347,383, T>C. VCF-style: chr1-197347383-T-C. GRCh37 (hg19) VCF-style: chr1-197316513-T-C.
Other names: c.685T>C, p.Cys229Arg (NM_001257965.2); c.892T>C, p.Cys298Arg (NM_001257966.2); c.653-9448T>C (NM_001193640.2); short protein forms C298R, C229R.
Identifiers: ClinVar variation 841050 (VCV000841050.9), dbSNP rs1412048468, ClinGen allele CA344084056.

ClinVar aggregate classification (germline): Uncertain significance. Review status: criteria provided, multiple submitters, no conflicts (2 of 4 stars). 3 submissions from 3 submitters: Uncertain significance (2). 1 of the submissions does not count toward it. Last evaluated 2022-11-03.

Conditions:
Retinitis pigmentosa 12 (RP12). Also called: RP WITH OR WITHOUT PPRPE; RP WITH OR WITHOUT PRESERVED PARAARTERIOLE RETINAL PIGMENT EPITHELIUM; RETINITIS PIGMENTOSA WITH OR WITHOUT PARAARTERIOLAR PRESERVATION OF RETINAL PIGMENT EPITHELIUM. Identifiers: Orphanet 791, MedGen C1838647, MONDO:0010818, OMIM 600105.
Leber congenital amaurosis 8 (LCA8). Identifiers: Orphanet 65, MedGen C3151202, MONDO:0013453, OMIM 613835.
Leber congenital amaurosis (LCA). Also called: Leber's amaurosis. Identifiers: Orphanet 65, MedGen C0339527, MeSH D057130, MONDO:0018998.

Allele frequency attached by ClinVar (database versions not stated): gnomAD exomes below 0.00001; gnomAD 0.00001; TOPMed 0.00002.
gnomAD v4.1: 3 of 1,613,898 alleles (0.00019%); highest among the groups gnomAD compares: African/African-American, 0.004%; no homozygotes.

Submissions (3):

Blueprint Genetics
Classification: Uncertain significance. Last evaluated: 2022-11-03. Review status: criteria provided, single submitter. Criteria: ACMG Guidelines, 2015. Collection method: clinical testing. Allele origin: germline.

Labcorp Genetics (formerly Invitae), Labcorp
Classification: Uncertain significance for Leber congenital amaurosis 8; Retinitis pigmentosa 12. Last evaluated: 2021-08-30. Review status: criteria provided, single submitter. Criteria: Invitae Variant Classification Sherloc (09022015). Collection method: clinical testing. Allele origin: germline.
Comment: This sequence change replaces cysteine with arginine at codon 298 of the CRB1 protein (p.Cys298Arg). The cysteine residue is highly conserved and there is a large physicochemical difference between cysteine and arginine. This variant is not present in population databases (ExAC no frequency). This variant has not been reported in the literature in individuals affected with CRB1-related conditions. Algorithms developed to predict the effect of missense changes on protein structure and function (SIFT, PolyPhen-2, Align-GVGD) all suggest that this variant is likely to be disruptive. In summary, the available evidence is currently insufficient to determine the role of this variant in disease. Therefore, it has been classified as a Variant of Uncertain Significance.

Natera, Inc.
Classification: Uncertain significance for Leber congenital amaurosis. Last evaluated: 2021-01-06. Review status: no assertion criteria provided. Collection method: clinical testing. Allele origin: germline. Not counted in ClinVar's aggregate classification.